The following is an entry in ClinVar:

NM_033109.5(PNPT1):c.1592C>G (p.Thr531Arg)

Gene: PNPT1 (polyribonucleotide nucleotidyltransferase 1; minus strand). Cytogenetic location: 2p16.1.
Variant type: single nucleotide variant.
Coding change: c.1592C>G on transcript NM_033109.5 (MANE Select); coding-DNA position 1592, C replaced by G.
Protein change: p.Thr531Arg; replaces threonine 531 with arginine.
Molecular consequence: missense variant.
Genome position (GRCh38, 1-based): chr2:55,647,357, G>C on the plus strand (C>G on the coding strand, the complement: PNPT1 is on the minus strand). VCF-style: chr2-55647357-G-C. GRCh37 (hg19) VCF-style: chr2-55874492-G-C.
Other names: c.1592C>G (NM_033109.3); short protein forms T531R.
Identifiers: ClinVar variation 209184 (VCV000209184.28), dbSNP rs374698153, ClinGen allele CA250387.

ClinVar aggregate classification (germline): Conflicting classifications of pathogenicity. Review status: criteria provided, conflicting classifications (1 of 4 stars). 12 submissions from 11 submitters: Pathogenic (1); Likely pathogenic (7); Uncertain significance (4). Last evaluated 2026-03-30.

Conditions:
PNPT1-related disorder. Also called: PNPT1-related condition; PNPT1-related disorders.
Inborn genetic diseases. Identifiers: MedGen C0950123, MeSH D030342.
Autosomal recessive nonsyndromic hearing loss 70. Also called: Deafness, autosomal recessive 70. Identifiers: Orphanet 90636, MedGen C1824925, MONDO:0013978, OMIM 614934.
Combined oxidative phosphorylation defect type 13. Also called: Combined oxidative phosphorylation deficiency 13. Identifiers: Orphanet 319514, MedGen C4706283, MONDO:0013977, OMIM 614932.

Allele frequency attached by ClinVar (database versions not stated): ExAC 0.00001; gnomAD exomes 0.00003; gnomAD 0.00007 and 0.00008; ESP Exome Variant Server 0.00008; TOPMed 0.00008.
gnomAD v4.1: 155 of 1,604,756 alleles (0.0097%); highest among the groups gnomAD compares: Non-Finnish European, 0.012%; no homozygotes.

Submissions (12):

Victorian Clinical Genetics Services, Murdoch Childrens Research Institute
Classification: Likely pathogenic for Combined oxidative phosphorylation defect type 13. Last evaluated: 2026-03-30. Review status: criteria provided, single submitter. Criteria: ACMG Guidelines, 2015. Collection method: clinical testing. Allele origin: germline. Affected: yes.
Comment: This variant is classified as Likely pathogenic. Evidence in support of pathogenic classification: Variant is present in gnomAD <0.01 (v4: 155 heterozygote(s), 0 homozygote(s)); This variant has strong previous evidence of pathogenicity in unrelated individuals. This variant has been classified as a VUS, but more frequently as likely pathogenic or pathogenic by clinically laboratories in ClinVar. Additionally, this variant has been reported in a compound heterozygous state in at least three individuals with phenotypes suggestive of mitochondrial disease (PMID: 26633545, PMID: 31752325, PMID: 33199448) - This variant has limited evidence for segregation with disease. This variant has been reported in four affected individuals from two families (PMID: 26633545, PMID: 31752325, ClinVar). Additional information: Variant is predicted to result in a missense amino acid change from Thr to Arg; This variant is heterozygous; This gene is associated with both recessive and dominant disease. There is currently no genotype-phenotype correlation between recessive (combined oxidative phosphorylation deficiency 13 (MIM#614932), deafness, 70, with or without adult-onset neurodegeneration (MIM#614934)) and dominant (spinocerebellar ataxia 25 (MIM#608703)) disease (PanelApp Australia); Alternative amino acid change(s) at the same position are present in gnomAD (highest allele count: v4: 1 heterozygote(s), 0 homozygote(s)); No comparable missense variants have previous evidence for pathogenicity; Variant is not located in an established domain, motif, hotspot or informative constraint region; Missense variant with inconclusive in silico prediction and/or uninformative conservation; Loss of function is a known mechanism of disease in this gene and is associated with combined oxidative phosphorylation deficiency 13 (MIM#614932), deafness, autosomal recessive 70, with or without adult-onset neurodegeneration (MIM#614934), and spinocerebellar ataxia 25 (MIM#608703); Variants in this gene are known to have variable expressivity, specifically in individuals with spinocerebellar ataxia 25 (MIM#608703) (PMID: 39924761, PMID: 35411967).

CeGaT Center for Human Genetics Tuebingen
Classification: Uncertain significance. Last evaluated: 2025-10-01. Review status: criteria provided, single submitter. Criteria: CeGaT Center For Human Genetics Tuebingen Variant Classification Criteria Version 2. Collection method: clinical testing. Allele origin: germline. Affected: yes. Observed: 1 variant allele.
Comment: PNPT1: PM2, PM3

Labcorp Genetics (formerly Invitae), Labcorp
Classification: Pathogenic. Last evaluated: 2025-08-15. Review status: criteria provided, single submitter. Criteria: Invitae Variant Classification Sherloc (09022015). Collection method: clinical testing. Allele origin: germline.
Comment: This sequence change replaces threonine, which is neutral and polar, with arginine, which is basic and polar, at codon 531 of the PNPT1 protein (p.Thr531Arg). This variant is present in population databases (rs374698153, gnomAD 0.004%). This missense change has been observed in individuals with combined oxidative phosphorylation deficiency (PMID: 31752325, 33199448; external communication). ClinVar contains an entry for this variant (Variation ID: 209184). Invitae Evidence Modeling of protein sequence and biophysical properties (such as structural, functional, and spatial information, amino acid conservation, physicochemical variation, residue mobility, and thermodynamic stability) indicates that this missense variant is expected to disrupt PNPT1 protein function with a positive predictive value of 80%. For these reasons, this variant has been classified as Pathogenic.

Women's Health and Genetics/Laboratory Corporation of America, LabCorp
Classification: Likely pathogenic for PNPT1-Related Disorders. Last evaluated: 2024-10-17. Review status: criteria provided, single submitter. Criteria: LabCorp Variant Classification Summary - May 2015. Collection method: clinical testing. Allele origin: germline.
Comment: Variant summary: PNPT1 c.1592C>G (p.Thr531Arg) results in a non-conservative amino acid change in the encoded protein sequence. Five of five in-silico tools predict a damaging effect of the variant on protein function. The variant allele was found at a frequency of 3.2e-05 in 249564 control chromosomes (gnomAD). c.1592C>G has been reported in the literature in individuals affected with features of Combined oxidative phosphorylation deficiency or with severe hearing loss (e.g. Rius_2019, Pennisi_2022, Cloney_2021). These data indicate that the variant is likely to be associated with disease. To our knowledge, no experimental evidence demonstrating an impact on protein function has been reported. The following publications have been ascertained in the context of this evaluation (PMID: 31752325, 33199448, 34740920, 36147510). ClinVar contains an entry for this variant (Variation ID: 209184). Based on the evidence outlined above, the variant was classified as likely pathogenic.

GeneDx
Classification: Uncertain significance. Last evaluated: 2024-08-15. Review status: criteria provided, single submitter. Criteria: GeneDx Variant Classification Process June 2021. Collection method: clinical testing. Allele origin: germline. Affected: yes.
Comment: Observed in the heterozygous state in a patient with global developmental delay, intellectual disability, feeding difficulties, irritability, microcephaly, and dystonia who also harbored a second PNPT1 gene variant; the phase of the variants is unknown (PMID: 31752325); Observed in trans with variant of uncertain significance in the PNPT1 gene in an individual with encephalopathy, developmental delay, and hearing loss (PMID: 33199448); In silico analysis supports that this missense variant has a deleterious effect on protein structure/function; Not observed at significant frequency in large population cohorts (gnomAD); This variant is associated with the following publications: (PMID: 31752325, 36147510, 34740920, 33199448)

Greenwood Genetic Center Diagnostic Laboratories, Greenwood Genetic Center
Classification: Likely pathogenic for PNPT1-related disorder. Last evaluated: 2024-07-11. Review status: criteria provided, single submitter. Criteria: ACMG Guidelines, 2015. Collection method: clinical testing. Allele origin: germline. Affected: yes.
Comment: PS3_Moderate, PM1, PM2

Revvity Omics, Revvity
Classification: Uncertain significance. Last evaluated: 2024-02-02. Review status: criteria provided, single submitter. Criteria: ACMG Guidelines, 2015. Collection method: clinical testing. Allele origin: germline.

Daryl Scott Lab, Baylor College of Medicine
Classification: Likely pathogenic for PNPT1-related disorder. Last evaluated: 2024-01-01. Review status: criteria provided, single submitter. Criteria: ACMG Guidelines, 2015. Collection method: clinical testing. Allele origin: maternal. Observed: 1 heterozygote.
Comment: PS4, PS3, PP3

Ambry Genetics
Classification: Uncertain significance for Inborn genetic diseases. Last evaluated: 2022-07-17. Review status: criteria provided, single submitter. Criteria: Ambry Variant Classification Scheme 2023. Collection method: clinical testing. Allele origin: germline.

Baylor Genetics
Classification: Likely pathogenic for Autosomal recessive nonsyndromic hearing loss 70. Last evaluated: 2022-03-08. Review status: criteria provided, single submitter. Criteria: ACMG Guidelines, 2015. Collection method: clinical testing. Allele origin: unknown.

Baylor Genetics
Classification: Likely pathogenic for Combined oxidative phosphorylation deficiency 13. Last evaluated: 2015-02-23. Review status: criteria provided, single submitter. Criteria: Yang et al. 2013. Collection method: clinical testing. Allele origin: maternal. Inheritance: Autosomal recessive inheritance. Affected: yes. Observed: 3 variant alleles, 3 compound heterozygotes. Study: Adult_WES.

Broad Center for Mendelian Genomics, Broad Institute of MIT and Harvard
Classification: Likely pathogenic for Combined oxidative phosphorylation defect type 13. Review status: criteria provided, single submitter. Criteria: ACMG Guidelines, 2015. Collection method: research. Allele origin: germline. Inheritance: Autosomal recessive inheritance. Affected: yes. Observed: 1 variant allele, 1 compound heterozygote. Study: Broad Institute Center for Mendelian Genomics (CMG).
Comment: The p.Thr531Arg variant has not been reported in the literature, but it has been reported in ClinVar (Variant ID: 209184). Baylor Laboratory reported this variant in 3 probands, however only 1/3 fit the current known clinical spectrum for PNPT1. Functional evidence (PNPase Western Blot, spectrophotometric enzyme assays, Dipstick assays, OXPHOS western blot) supports a pathogenic role for this variant and is consistent with other pathogenic variants (7 publications to date). The spectrophotometric enzyme assays conducted on fibroblasts were normal, which has been observed in other PNPT1- related cases including the one published in EJHG (Alodaib, A., et al. 2016) and others (Vedrenne, V., et al. 2012, Sato, R., et al. 2017). In summary, although additional studies are required to fully establish its clinical significance, this variant is likely pathogenic.

Literature cited by the submitters: PubMed 26633545 (cited by Victorian Clinical Genetics Services, Murdoch Childrens Research Institute and Baylor Genetics); PubMed 31752325 (cited by 4 submitters); PubMed 39924761 (cited by Victorian Clinical Genetics Services, Murdoch Childrens Research Institute); PubMed 33199448 (cited by 3 submitters); PubMed 35411967 (cited by Victorian Clinical Genetics Services, Murdoch Childrens Research Institute); PubMed 36147510 (cited by Women's Health and Genetics/Laboratory Corporation of America, LabCorp); PubMed 34740920 (cited by Women's Health and Genetics/Laboratory Corporation of America, LabCorp); PubMed 27759031 (cited by Broad Center for Mendelian Genomics, Broad Institute of MIT and Harvard); PubMed 23084291 (cited by Broad Center for Mendelian Genomics, Broad Institute of MIT and Harvard).